The following is an entry in ClinVar:

ClinVar aggregate classification (germline): Benign/Likely benign. Review status: criteria provided, multiple submitters, no conflicts (2 of 4 stars). 5 submissions from 5 submitters: Benign (1); Likely benign (4). Last evaluated 2026-01-21.

Conditions:
Brugada syndrome 8 (BRGDA8). Identifiers: Orphanet 130, MedGen C2751083, MONDO:0013148, OMIM 613123.
Sick sinus syndrome 2, autosomal dominant (SSS2). Also called: SICK SINUS SYNDROME 2; SICK SINUS SYNDROME 2 WITH OR WITHOUT CARDIAC NONCOMPACTION AND/OR ASCENDING AORTA DILATION; ATRIAL FIBRILLATION WITH BRADYARRHYTHMIA; SINUS BRADYCARDIA SYNDROME, FAMILIAL, AUTOSOMAL DOMINANT; SINUS NODE DISEASE, FAMILIAL, AUTOSOMAL DOMINANT. Identifiers: Orphanet 166282, MedGen C1834144, MONDO:0008102, OMIM 163800.
Cardiovascular phenotype. Identifiers: MedGen CN230736.

Allele frequency attached by ClinVar (database versions not stated): ESP Exome Variant Server 0.00010; gnomAD exomes 0.00013 and 0.00034; gnomAD 0.00014; TOPMed 0.00020; ExAC 0.00028.

Submissions (5):

Labcorp Genetics (formerly Invitae), Labcorp
Classification: Likely benign for Brugada syndrome 8. Last evaluated: 2026-01-21. Review status: criteria provided, single submitter. Criteria: Invitae Variant Classification Sherloc (09022015). Collection method: clinical testing. Allele origin: germline.

Blueprint Genetics
Classification: Likely benign. Last evaluated: 2024-10-17. Review status: criteria provided, single submitter. Criteria: ACMG Guidelines, 2015. Collection method: clinical testing. Allele origin: germline.

GeneDx
Classification: Likely benign. Last evaluated: 2020-11-24. Review status: criteria provided, single submitter. Criteria: GeneDx Variant Classification Process June 2021. Collection method: clinical testing. Allele origin: germline. Affected: yes.

Ambry Genetics
Classification: Likely benign for Cardiovascular phenotype. Last evaluated: 2019-12-21. Review status: criteria provided, single submitter. Criteria: Ambry Variant Classification Scheme 2023. Collection method: clinical testing. Allele origin: germline.

Illumina Laboratory Services, Illumina
Classification: Benign for Sick sinus syndrome 2, autosomal dominant. Last evaluated: 2018-02-26. Review status: criteria provided, single submitter. Criteria: ICSL Variant Classification Criteria 13 December 2019. Collection method: clinical testing. Allele origin: germline.
Comment: This variant was observed in the ICSL laboratory as part of a predisposition screen in an ostensibly healthy population. It had not been previously curated by ICSL or reported in the Human Gene Mutation Database (HGMD: prior to June 1st, 2018), and was therefore a candidate for classification through an automated scoring system. Utilizing variant allele frequency, disease prevalence and penetrance estimates, and inheritance mode, an automated score was calculated to assess if this variant is too frequent to cause the disease. Based on the score and internal cut-off values, a variant classified as benign is not then subjected to further curation. The score for this variant resulted in a classification of benign for this disease.

NM_005477.3(HCN4):c.3012G>A (p.Pro1004=)

Gene: HCN4 (hyperpolarization activated cyclic nucleotide gated potassium channel 4; minus strand). Cytogenetic location: 15q24.1.
Variant type: single nucleotide variant.
Coding change: c.3012G>A on transcript NM_005477.3 (MANE Select); coding-DNA position 3012, G replaced by A.
Protein change: p.Pro1004=; no amino-acid change (proline 1004 retained).
Molecular consequence: synonymous variant.
Genome position (GRCh38, 1-based): chr15:73,323,081, C>T on the plus strand (G>A on the coding strand, the complement: HCN4 is on the minus strand). VCF-style: chr15-73323081-C-T. GRCh37 (hg19) VCF-style: chr15-73615422-C-T.
Identifiers: ClinVar variation 470662 (VCV000470662.21), dbSNP rs377602893, ClinGen allele CA7648904.